The following is an entry in ClinVar:

NM_025132.4(WDR19):c.3553A>C (p.Lys1185Gln)

Gene: WDR19 (WD repeat domain 19; plus strand). Cytogenetic location: 4p14.
Variant type: single nucleotide variant.
Coding change: c.3553A>C on transcript NM_025132.4 (MANE Select); coding-DNA position 3553, A replaced by C.
Protein change: p.Lys1185Gln; replaces lysine 1185 with glutamine.
Molecular consequence: missense variant.
Genome position (GRCh38, 1-based): chr4:39,273,049, A>C. VCF-style: chr4-39273049-A-C. GRCh37 (hg19) VCF-style: chr4-39274669-A-C.
Other names: c.3073A>C, p.Lys1025Gln (NM_001317924.2); short protein forms K1185Q, K1025Q.
Identifiers: ClinVar variation 935843 (VCV000935843.8), dbSNP rs998142201, ClinGen allele CA95702880.

ClinVar aggregate classification (germline): Uncertain significance. Review status: criteria provided, multiple submitters, no conflicts (2 of 4 stars). 2 submissions from 2 submitters: Uncertain significance (2). Last evaluated 2023-05-22.

Conditions:
Asphyxiating thoracic dystrophy 5 (SRTD5). Also called: SHORT-RIB THORACIC DYSPLASIA 5 WITH OR WITHOUT POLYDACTYLY; SHORT-RIB THORACIC DYSPLASIA 5 WITHOUT POLYDACTYLY. Identifiers: Orphanet 474, MedGen C3280598, MONDO:0013717, OMIM 614376.
Senior-Loken syndrome 8 (SLSN8). Identifiers: Orphanet 3156, MedGen C4225376, MONDO:0014579, OMIM 616307.

Allele frequency attached by ClinVar (database versions not stated): gnomAD 0.00002 and 0.00003; TOPMed 0.00002; gnomAD exomes 0.00003 and 0.00004.
gnomAD v4.1: 62 of 1,604,522 alleles (0.0039%); highest among the groups gnomAD compares: Non-Finnish European, 0.0049%; no homozygotes.

Submissions (2):

Blueprint Genetics
Classification: Uncertain significance. Last evaluated: 2023-05-22. Review status: criteria provided, single submitter. Criteria: ACMG Guidelines, 2015. Collection method: clinical testing. Allele origin: germline.

Labcorp Genetics (formerly Invitae), Labcorp
Classification: Uncertain significance for Senior-Loken syndrome 8; Asphyxiating thoracic dystrophy 5. Last evaluated: 2022-10-17. Review status: criteria provided, single submitter. Criteria: Invitae Variant Classification Sherloc (09022015). Collection method: clinical testing. Allele origin: germline.
Comment: This sequence change replaces lysine, which is basic and polar, with glutamine, which is neutral and polar, at codon 1185 of the WDR19 protein (p.Lys1185Gln). This variant is present in population databases (no rsID available, gnomAD 0.006%). This variant has not been reported in the literature in individuals affected with WDR19-related conditions. ClinVar contains an entry for this variant (Variation ID: 935843). Advanced modeling of protein sequence and biophysical properties (such as structural, functional, and spatial information, amino acid conservation, physicochemical variation, residue mobility, and thermodynamic stability) performed at Invitae indicates that this missense variant is not expected to disrupt WDR19 protein function. In summary, the available evidence is currently insufficient to determine the role of this variant in disease. Therefore, it has been classified as a Variant of Uncertain Significance.